The following is an entry in ClinVar:

NM_182931.3(KMT2E):c.5132T>A (p.Val1711Glu)

Gene: KMT2E (lysine methyltransferase 2E (inactive); plus strand). Cytogenetic location: 7q22.3.
Variant type: single nucleotide variant.
Coding change: c.5132T>A on transcript NM_182931.3 (MANE Select); coding-DNA position 5132, T replaced by A.
Protein change: p.Val1711Glu; replaces valine 1711 with glutamic acid.
Molecular consequence: missense variant.
Genome position (GRCh38, 1-based): chr7:105,112,888, T>A. VCF-style: chr7-105112888-T-A. GRCh37 (hg19) VCF-style: chr7-104753335-T-A.
Other names: c.5006T>A, p.Val1669Glu (NM_001410908.1); c.5132T>A, p.Val1711Glu (NM_018682.4); short protein forms V1711E, V1669E.
Identifiers: ClinVar variation 3678838 (VCV003678838.2).

ClinVar aggregate classification (germline): Uncertain significance (1 of 4 stars; one submission).

gnomAD v4.1: 7 of 1,609,700 alleles (0.00043%); highest among the groups gnomAD compares: Non-Finnish European, 0.00059%; no homozygotes.

Submission:

Labcorp Genetics (formerly Invitae), Labcorp
Classification: Uncertain significance. Last evaluated: 2024-07-11. Review status: criteria provided, single submitter. Criteria: Invitae Variant Classification Sherloc (09022015). Collection method: clinical testing. Allele origin: germline.
Comment: This sequence change replaces valine, which is neutral and non-polar, with glutamic acid, which is acidic and polar, at codon 1711 of the KMT2E protein (p.Val1711Glu). This variant is not present in population databases (gnomAD no frequency). This variant has not been reported in the literature in individuals affected with KMT2E-related conditions. An algorithm developed to predict the effect of missense changes on protein structure and function (PolyPhen-2) suggests that this variant is likely to be tolerated. Algorithms developed to predict the effect of sequence changes on RNA splicing suggest that this variant may create or strengthen a splice site. In summary, the available evidence is currently insufficient to determine the role of this variant in disease. Therefore, it has been classified as a Variant of Uncertain Significance.